The following is an entry in ClinVar:

NM_014314.4(RIGI):c.2337+5G>C

Gene: RIGI (RNA sensor RIG-I; minus strand). Cytogenetic location: 9p21.1.
Variant type: single nucleotide variant.
Coding change: c.2337+5G>C on transcript NM_014314.4 (MANE Select); 5 bases into the intron after coding-DNA position 2337, G replaced by C.
Molecular consequence: intron variant.
Genome position (GRCh38, 1-based): chr9:32,466,285, C>G on the plus strand (G>C on the coding strand, the complement: RIGI is on the minus strand). VCF-style: chr9-32466285-C-G. GRCh37 (hg19) VCF-style: chr9-32466283-C-G.
Other names: c.1728+5G>C (NM_001385912.1); c.2322+5G>C (NM_001385913.1); c.2331+5G>C (NM_001385907.1); c.2166+5G>C (NM_001385909.1); c.1893+5G>C (NM_001385914.1); c.1896+5G>C (NM_001385910.1).
Identifiers: ClinVar variation 2765805 (VCV002765805.3), dbSNP rs2118683498, ClinGen allele CA2579320817.

ClinVar aggregate classification (germline): Uncertain significance (1 of 4 stars; one submission).

Submission:

Labcorp Genetics (formerly Invitae), Labcorp
Classification: Uncertain significance. Last evaluated: 2024-10-24. Review status: criteria provided, single submitter. Criteria: Invitae Variant Classification Sherloc (09022015). Collection method: clinical testing. Allele origin: germline.
Comment: This sequence change falls in intron 16 of the DDX58 gene. It does not directly change the encoded amino acid sequence of the DDX58 protein. It affects a nucleotide within the consensus splice site. This variant is not present in population databases (gnomAD no frequency). This variant has not been reported in the literature in individuals affected with DDX58-related conditions. Variants that disrupt the consensus splice site are a relatively common cause of aberrant splicing (PMID: 17576681, 9536098). Algorithms developed to predict the effect of sequence changes on RNA splicing suggest that this variant is not likely to affect RNA splicing. In summary, the available evidence is currently insufficient to determine the role of this variant in disease. Therefore, it has been classified as a Variant of Uncertain Significance.

Literature cited by the submitters: PubMed 17576681; PubMed 9536098.